The following is an entry in ClinVar:

NM_130784.4(SYCE1):c.-36+68C>G

Gene: SYCE1 (synaptonemal complex central element protein 1; minus strand). Cytogenetic location: 10q26.3.
Variant type: single nucleotide variant.
Coding change: c.-36+68C>G on transcript NM_130784.4; 68 bases into the intron after 36 bases upstream of the start codon, C replaced by G.
Molecular consequence: intron variant. On other transcripts: non-coding transcript variant (1).
Genome position (GRCh38, 1-based): chr10:133,568,120, G>C on the plus strand (C>G on the coding strand, the complement: SYCE1 is on the minus strand). VCF-style: chr10-133568120-G-C. GRCh37 (hg19) VCF-style: chr10-135381624-G-C.
Identifiers: ClinVar variation 3341570 (VCV003341570.15).

ClinVar aggregate classification (germline): Likely benign (1 of 4 stars; one submission).

gnomAD v4.1: 1,715 of 778,704 alleles (0.22%); highest among the groups gnomAD compares: African/African-American, 2.5%; no homozygotes.

Submission:

CeGaT Center for Human Genetics Tuebingen
Classification: Likely benign. Last evaluated: 2024-08-01. Review status: criteria provided, single submitter. Criteria: CeGaT Center For Human Genetics Tuebingen Variant Classification Criteria Version 2. Collection method: clinical testing. Allele origin: germline. Affected: yes. Observed: 1 variant allele.
Comment: SYCE1: BS1